The following is an entry in ClinVar:

ClinVar aggregate classification (germline): Benign (0 of 4 stars; one submission).

Conditions:
CDS1-related disorder. Also called: CDS1-related condition.

Allele frequency attached by ClinVar (database versions not stated): gnomAD exomes 0.00044; ExAC 0.00107; 1000 Genomes Project 30x 0.00172; 1000 Genomes Project 0.00200; gnomAD 0.00018.
gnomAD v4.1: 670 of 1,611,966 alleles (0.042%); highest among the groups gnomAD compares: South Asian, 0.59%; 12 homozygotes.

Submission:

PreventionGenetics, part of Exact Sciences
Classification: Benign for CDS1-related condition. Last evaluated: 2019-04-24. Review status: no assertion criteria provided. Collection method: clinical testing. Allele origin: germline.
Comment: This variant is classified as benign based on ACMG/AMP sequence variant interpretation guidelines (Richards et al. 2015 PMID: 25741868, with internal and published modifications).

NM_001263.4(CDS1):c.951C>T (p.Phe317=)

Gene: CDS1 (CDP-diacylglycerol synthase 1; plus strand). Cytogenetic location: 4q21.23.
Variant type: single nucleotide variant.
Coding change: c.951C>T on transcript NM_001263.4 (MANE Select); coding-DNA position 951, C replaced by T.
Protein change: p.Phe317=; no amino-acid change (phenylalanine 317 retained).
Molecular consequence: synonymous variant.
Genome position (GRCh38, 1-based): chr4:84,640,909, C>T. VCF-style: chr4-84640909-C-T. GRCh37 (hg19) VCF-style: chr4-85562062-C-T.
Identifiers: ClinVar variation 3043745 (VCV003043745.2), dbSNP rs199711328, ClinGen allele CA2991784.